The following is an entry in ClinVar:

NM_003922.4(HERC1):c.11902G>A (p.Asp3968Asn)

Gene: HERC1 (HECT and RLD domain containing E3 ubiquitin protein ligase family member 1; minus strand). Cytogenetic location: 15q22.31.
Variant type: single nucleotide variant.
Coding change: c.11902G>A on transcript NM_003922.4 (MANE Select); coding-DNA position 11902, G replaced by A.
Protein change: p.Asp3968Asn; replaces aspartic acid 3968 with asparagine.
Molecular consequence: missense variant.
Genome position (GRCh38, 1-based): chr15:63,638,776, C>T on the plus strand (G>A on the coding strand, the complement: HERC1 is on the minus strand). VCF-style: chr15-63638776-C-T. GRCh37 (hg19) VCF-style: chr15-63930975-C-T.
Other names: c.11902G>A (NM_003922.3); short protein forms D3968N.
Identifiers: ClinVar variation 2083131 (VCV002083131.6), dbSNP rs1007093536, ClinGen allele CA272100276.

ClinVar aggregate classification (germline): Uncertain significance. Review status: criteria provided, multiple submitters, no conflicts (2 of 4 stars). 2 submissions from 2 submitters: Uncertain significance (2). Last evaluated 2024-12-03.

Conditions:
Inborn genetic diseases. Identifiers: MedGen C0950123, MeSH D030342.

Allele frequency attached by ClinVar (database versions not stated): gnomAD 0.00003; TOPMed 0.00004.
gnomAD v4.1: 11 of 1,612,700 alleles (0.00068%); highest among the groups gnomAD compares: Admixed American, 0.012%; no homozygotes.

Submissions (2):

Labcorp Genetics (formerly Invitae), Labcorp
Classification: Uncertain significance. Last evaluated: 2024-12-03. Review status: criteria provided, single submitter. Criteria: Invitae Variant Classification Sherloc (09022015). Collection method: clinical testing. Allele origin: germline.
Comment: This sequence change replaces aspartic acid, which is acidic and polar, with asparagine, which is neutral and polar, at codon 3968 of the HERC1 protein (p.Asp3968Asn). This variant is present in population databases (no rsID available, gnomAD 0.003%). This variant has not been reported in the literature in individuals affected with HERC1-related conditions. ClinVar contains an entry for this variant (Variation ID: 2083131). An algorithm developed to predict the effect of missense changes on protein structure and function (PolyPhen-2) suggests that this variant is likely to be disruptive. In summary, the available evidence is currently insufficient to determine the role of this variant in disease. Therefore, it has been classified as a Variant of Uncertain Significance.

Ambry Genetics
Classification: Uncertain significance for Inborn genetic diseases. Last evaluated: 2023-05-23. Review status: criteria provided, single submitter. Criteria: Ambry Variant Classification Scheme 2023. Collection method: clinical testing. Allele origin: germline.